The following is an entry in ClinVar:

ClinVar aggregate classification (germline): Uncertain significance (1 of 4 stars; one submission).

Submission:

Labcorp Genetics (formerly Invitae), Labcorp
Classification: Uncertain significance. Last evaluated: 2022-12-18. Review status: criteria provided, single submitter. Criteria: Invitae Variant Classification Sherloc (09022015). Collection method: clinical testing. Allele origin: germline.
Comment: In summary, the available evidence is currently insufficient to determine the role of this variant in disease. Therefore, it has been classified as a Variant of Uncertain Significance. This sequence change replaces glutamine, which is neutral and polar, with glutamic acid, which is acidic and polar, at codon 343 of the CDH2 protein (p.Gln343Glu). This variant is not present in population databases (gnomAD no frequency). This variant has not been reported in the literature in individuals affected with CDH2-related conditions. Algorithms developed to predict the effect of missense changes on protein structure and function (SIFT, PolyPhen-2, Align-GVGD) all suggest that this variant is likely to be tolerated.

NM_001792.5(CDH2):c.1027C>G (p.Gln343Glu)

Gene: CDH2 (cadherin 2; minus strand). Cytogenetic location: 18q12.1.
Variant type: single nucleotide variant.
Coding change: c.1027C>G on transcript NM_001792.5 (MANE Select); coding-DNA position 1027, C replaced by G.
Protein change: p.Gln343Glu; replaces glutamine 343 with glutamic acid.
Molecular consequence: missense variant.
Genome position (GRCh38, 1-based): chr18:27,993,631, G>C on the plus strand (C>G on the coding strand, the complement: CDH2 is on the minus strand). VCF-style: chr18-27993631-G-C. GRCh37 (hg19) VCF-style: chr18-25573595-G-C.
Other names: c.934C>G, p.Gln312Glu (NM_001308176.2); short protein forms Q343E, Q312E.
Identifiers: ClinVar variation 2804515 (VCV002804515.3), dbSNP rs200230960, ClinGen allele CA402111961.